The following is an entry in ClinVar:

ClinVar aggregate classification (germline): Uncertain significance. Review status: criteria provided, multiple submitters, no conflicts (2 of 4 stars). 3 submissions from 3 submitters: Uncertain significance (3). Last evaluated 2026-06-28.

Conditions:
Inborn genetic diseases. Identifiers: MedGen C0950123, MeSH D030342.
PCNT-related disorder. Also called: PCNT-related condition.

Allele frequency attached by ClinVar (database versions not stated): gnomAD exomes 0.00002 and 0.00003; ExAC 0.00005; ESP Exome Variant Server 0.00008; gnomAD 0.00010 and 0.00011; TOPMed 0.00012; 1000 Genomes Project 30x 0.00047; 1000 Genomes Project 0.00060.

Submissions (3):

PreventionGenetics, part of Exact Sciences
Classification: Uncertain significance for PCNT-related condition. Last evaluated: 2026-06-28. Review status: criteria provided, single submitter. Criteria: ACMG Guidelines, 2015. Collection method: clinical testing. Allele origin: germline.
Comment: The PCNT c.3730A>G variant is predicted to result in the amino acid substitution p.Met1244Val. To our knowledge, this variant has not been reported in the literature. This variant is reported in 0.040% of alleles in individuals of African descent in gnomAD. At this time, the clinical significance of this variant is uncertain due to the absence of conclusive functional and genetic evidence.

Ambry Genetics
Classification: Uncertain significance for Inborn genetic diseases. Last evaluated: 2025-02-11. Review status: criteria provided, single submitter. Criteria: Ambry Variant Classification Scheme 2023. Collection method: clinical testing. Allele origin: germline.

Labcorp Genetics (formerly Invitae), Labcorp
Classification: Uncertain significance. Last evaluated: 2021-09-01. Review status: criteria provided, single submitter. Criteria: Invitae Variant Classification Sherloc (09022015). Collection method: clinical testing. Allele origin: germline.
Comment: This sequence change replaces methionine with valine at codon 1244 of the PCNT protein (p.Met1244Val). The methionine residue is moderately conserved and there is a small physicochemical difference between methionine and valine. This variant is present in population databases (rs372323744, ExAC 0.06%). This variant has not been reported in the literature in individuals affected with PCNT-related conditions. Algorithms developed to predict the effect of missense changes on protein structure and function (SIFT, PolyPhen-2, Align-GVGD) all suggest that this variant is likely to be tolerated. Algorithms developed to predict the effect of sequence changes on RNA splicing suggest that this variant may create or strengthen a splice site. In summary, the available evidence is currently insufficient to determine the role of this variant in disease. Therefore, it has been classified as a Variant of Uncertain Significance.

NM_006031.6(PCNT):c.3730A>G (p.Met1244Val)

Gene: PCNT (pericentrin; plus strand). Cytogenetic location: 21q22.3.
Variant type: single nucleotide variant.
Coding change: c.3730A>G on transcript NM_006031.6 (MANE Select); coding-DNA position 3730, A replaced by G.
Protein change: p.Met1244Val; replaces methionine 1244 with valine.
Molecular consequence: missense variant.
Genome position (GRCh38, 1-based): chr21:46,389,321, A>G. VCF-style: chr21-46389321-A-G. GRCh37 (hg19) VCF-style: chr21-47809236-A-G.
Other names: c.3376A>G, p.Met1126Val (NM_001315529.2); c.3730A>G (NM_006031.5); short protein forms M1126V, M1244V.
Identifiers: ClinVar variation 1368221 (VCV001368221.9), dbSNP rs372323744, ClinGen allele CA10079428.